The following is an entry in ClinVar:

ClinVar aggregate classification (germline): Likely benign (1 of 4 stars; one submission).

Allele frequency attached by ClinVar (database versions not stated): gnomAD 0.00025; TOPMed 0.00028; 1000 Genomes Project 30x 0.00031; ExAC 0.00035; 1000 Genomes Project 0.00040; gnomAD exomes 0.00047.
gnomAD v4.1: 236 of 582,224 alleles (0.041%); highest among the groups gnomAD compares: East Asian, 0.53%; 2 homozygotes.

Submission:

CeGaT Center for Human Genetics Tuebingen
Classification: Likely benign. Last evaluated: 2023-03-01. Review status: criteria provided, single submitter. Criteria: CeGaT Center For Human Genetics Tuebingen Variant Classification Criteria Version 2. Collection method: clinical testing. Allele origin: germline. Affected: yes. Observed: 1 variant allele.
Comment: PDE4DIP: BP4, BP7

NM_001395426.1(PDE4DIP):c.1371G>A (p.Glu457=)

Gene: PDE4DIP (phosphodiesterase 4D interacting protein; plus strand). Cytogenetic location: 1q21.2.
Variant type: single nucleotide variant.
Coding change: c.1371G>A on transcript NM_001395426.1 (MANE Select); coding-DNA position 1371, G replaced by A.
Protein change: p.Glu457=; no amino-acid change (glutamic acid 457 retained).
Molecular consequence: synonymous variant.
Genome position (GRCh38, 1-based): chr1:148,962,619, G>A. VCF-style: chr1-148962619-G-A. GRCh37 (hg19) VCF-style: chr1-144921856-C-T.
Other names: c.1662G>A, p.Glu554= (NM_001002811.3, NM_001350520.2, NM_001395297.1 and 4 more transcripts); c.1173G>A, p.Glu391= (NM_001002812.4, NM_001198834.5, NM_014644.7); c.1371G>A, p.Glu457= (NM_001198832.4, NM_001350522.3, NM_001350523.3 and 11 more transcripts); c.1584G>A, p.Glu528= (NM_001350521.4, NM_001377392.2, NM_001395298.1 and 4 more transcripts); c.1473G>A, p.Glu491= (NM_001395300.1, NM_001395302.1); c.1260G>A, p.Glu420= (NM_001395313.1, NM_001395321.1); c.1323G>A, p.Glu441= (NM_001395319.1); c.1077G>A, p.Glu359= (NM_001395322.1); and 1 more.
Identifiers: ClinVar variation 2639073 (VCV002639073.24), dbSNP rs201567215, ClinGen allele CA1047571.